The following is an entry in ClinVar:

NM_001199753.2(CPT1C):c.1849G>A (p.Glu617Lys)

Gene: CPT1C (carnitine palmitoyltransferase 1C; plus strand). Cytogenetic location: 19q13.33.
Variant type: single nucleotide variant.
Coding change: c.1849G>A on transcript NM_001199753.2 (MANE Select); coding-DNA position 1849, G replaced by A.
Protein change: p.Glu617Lys; replaces glutamic acid 617 with lysine.
Molecular consequence: missense variant. On other transcripts: non-coding transcript variant (1), intron variant (3).
Genome position (GRCh38, 1-based): chr19:49,710,840, G>A. VCF-style: chr19-49710840-G-A. GRCh37 (hg19) VCF-style: chr19-50214097-G-A.
Other names: c.1849G>A, p.Glu617Lys (NM_001199752.3, NM_001378483.1, NM_001378484.1 and 1 more transcripts); c.1915G>A, p.Glu639Lys (NM_001378482.1); c.1816G>A, p.Glu606Lys (NM_001378485.1, NM_001136052.3); c.1731+356G>A (NM_001378486.1, NM_001378488.1); c.1698+356G>A (NM_001378487.1); short protein forms E617K, E639K, E606K.
Identifiers: ClinVar variation 3701802 (VCV003701802.2).

ClinVar aggregate classification (germline): Uncertain significance (1 of 4 stars; one submission).

Conditions:
Hereditary spastic paraplegia 73. Also called: Spastic paraplegia 73, autosomal dominant. Identifiers: Orphanet 444099, MedGen C5568981, MONDO:0014568, OMIM 616282.

Submission:

Labcorp Genetics (formerly Invitae), Labcorp
Classification: Uncertain significance for Hereditary spastic paraplegia 73. Last evaluated: 2024-09-17. Review status: criteria provided, single submitter. Criteria: Invitae Variant Classification Sherloc (09022015). Collection method: clinical testing. Allele origin: germline.
Comment: This sequence change replaces glutamic acid, which is acidic and polar, with lysine, which is basic and polar, at codon 606 of the CPT1C protein (p.Glu606Lys). This variant is not present in population databases (gnomAD no frequency). This variant has not been reported in the literature in individuals affected with CPT1C-related conditions. Invitae Evidence Modeling of protein sequence and biophysical properties (such as structural, functional, and spatial information, amino acid conservation, physicochemical variation, residue mobility, and thermodynamic stability) indicates that this missense variant is not expected to disrupt CPT1C protein function with a negative predictive value of 80%. In summary, the available evidence is currently insufficient to determine the role of this variant in disease. Therefore, it has been classified as a Variant of Uncertain Significance.